The following is an entry in ClinVar:

NM_018942.3(HMX1):c.898G>A (p.Ala300Thr)

Gene: HMX1 (H6 family homeobox 1; minus strand). Cytogenetic location: 4p16.1.
Variant type: single nucleotide variant.
Coding change: c.898G>A on transcript NM_018942.3 (MANE Select); coding-DNA position 898, G replaced by A.
Protein change: p.Ala300Thr; replaces alanine 300 with threonine.
Molecular consequence: missense variant. On other transcripts: intron variant (1).
Genome position (GRCh38, 1-based): chr4:8,867,842, C>T on the plus strand (G>A on the coding strand, the complement: HMX1 is on the minus strand). VCF-style: chr4-8867842-C-T. GRCh37 (hg19) VCF-style: chr4-8869568-C-T.
Other names: c.394+3379G>A (NM_001306142.2); c.898G>A (NM_018942.2); short protein forms A300T.
Identifiers: ClinVar variation 1432034 (VCV001432034.5), dbSNP rs1050213588, ClinGen allele CA92349785.

ClinVar aggregate classification (germline): Uncertain significance. Review status: criteria provided, multiple submitters, no conflicts (2 of 4 stars). 2 submissions from 2 submitters: Uncertain significance (2). Last evaluated 2025-05-16.

Conditions:
Inborn genetic diseases. Identifiers: MedGen C0950123, MeSH D030342.

Allele frequency attached by ClinVar (database versions not stated): TOPMed 0.00011; gnomAD 0.00011 and 0.00010; gnomAD exomes 0.00004.
gnomAD v4.1: 63 of 1,235,724 alleles (0.0051%); highest among the groups gnomAD compares: African/African-American, 0.02%; no homozygotes.

Submissions (2):

Ambry Genetics
Classification: Uncertain significance for Inborn genetic diseases. Last evaluated: 2025-05-16. Review status: criteria provided, single submitter. Criteria: Ambry Variant Classification Scheme 2023. Collection method: clinical testing. Allele origin: germline.

Labcorp Genetics (formerly Invitae), Labcorp
Classification: Uncertain significance. Last evaluated: 2023-07-10. Review status: criteria provided, single submitter. Criteria: Invitae Variant Classification Sherloc (09022015). Collection method: clinical testing. Allele origin: germline.
Comment: Advanced modeling of protein sequence and biophysical properties (such as structural, functional, and spatial information, amino acid conservation, physicochemical variation, residue mobility, and thermodynamic stability) performed at Invitae indicates that this missense variant is not expected to disrupt HMX1 protein function. In summary, the available evidence is currently insufficient to determine the role of this variant in disease. Therefore, it has been classified as a Variant of Uncertain Significance. ClinVar contains an entry for this variant (Variation ID: 1432034). This sequence change replaces alanine, which is neutral and non-polar, with threonine, which is neutral and polar, at codon 300 of the HMX1 protein (p.Ala300Thr). This variant is present in population databases (no rsID available, gnomAD 0.01%). This variant has not been reported in the literature in individuals affected with HMX1-related conditions.